The following is an entry in ClinVar:

ClinVar aggregate classification (germline): Uncertain significance. Review status: criteria provided, multiple submitters, no conflicts (2 of 4 stars). 3 submissions from 3 submitters: Uncertain significance (3). Last evaluated 2022-09-07.

Conditions:
Inborn genetic diseases. Identifiers: MedGen C0950123, MeSH D030342.

Allele frequency attached by ClinVar (database versions not stated): TOPMed 0.00008; ExAC 0.00002; gnomAD 0.00009; ESP Exome Variant Server 0.00016.
gnomAD v4.1: 21 of 1,614,086 alleles (0.0013%); highest among the groups gnomAD compares: African/African-American, 0.021%; no homozygotes.

Submissions (3):

Labcorp Genetics (formerly Invitae), Labcorp
Classification: Uncertain significance. Last evaluated: 2022-09-07. Review status: criteria provided, single submitter. Criteria: Invitae Variant Classification Sherloc (09022015). Collection method: clinical testing. Allele origin: germline.
Comment: This sequence change replaces arginine, which is basic and polar, with threonine, which is neutral and polar, at codon 373 of the MCPH1 protein (p.Arg373Thr). This variant is present in population databases (rs373762532, gnomAD 0.03%). This variant has not been reported in the literature in individuals affected with MCPH1-related conditions. ClinVar contains an entry for this variant (Variation ID: 594401). Algorithms developed to predict the effect of missense changes on protein structure and function output the following: SIFT: "Not Available"; PolyPhen-2: "Probably Damaging"; Align-GVGD: "Not Available". The threonine amino acid residue is found in multiple mammalian species, which suggests that this missense change does not adversely affect protein function. In summary, the available evidence is currently insufficient to determine the role of this variant in disease. Therefore, it has been classified as a Variant of Uncertain Significance.

Ambry Genetics
Classification: Uncertain significance for Inborn genetic diseases. Last evaluated: 2021-09-27. Review status: criteria provided, single submitter. Criteria: Ambry Variant Classification Scheme 2023. Collection method: clinical testing. Allele origin: germline.

Eurofins Ntd Llc (ga)
Classification: Uncertain significance. Last evaluated: 2017-10-24. Review status: criteria provided, single submitter. Criteria: EGL Classification Definitions 2015. Collection method: clinical testing. Allele origin: germline. Observed: 1 variant allele, 1 heterozygote.

NM_024596.5(MCPH1):c.1118G>C (p.Arg373Thr)

Gene: MCPH1 (microcephalin 1; plus strand). Cytogenetic location: 8p23.1.
Variant type: single nucleotide variant.
Coding change: c.1118G>C on transcript NM_024596.5 (MANE Select); coding-DNA position 1118, G replaced by C.
Protein change: p.Arg373Thr; replaces arginine 373 with threonine.
Molecular consequence: missense variant. On other transcripts: non-coding transcript variant (1).
Genome position (GRCh38, 1-based): chr8:6,444,840, G>C. VCF-style: chr8-6444840-G-C. GRCh37 (hg19) VCF-style: chr8-6302361-G-C.
Other names: c.1118G>C, p.Arg373Thr (NM_001172574.2, NM_001322042.2, NM_001363979.1 and 1 more transcripts); c.974G>C, p.Arg325Thr (NM_001172575.2); c.1112G>C, p.Arg371Thr (NM_001322043.2); c.1016G>C, p.Arg339Thr (NM_001322045.2); c.1118G>C (NM_024596.3); short protein forms R373T, R325T, R339T, R371T.
Identifiers: ClinVar variation 594401 (VCV000594401.10), dbSNP rs373762532, ClinGen allele CA4610466.